The following is an entry in ClinVar:

ClinVar aggregate classification (germline): Pathogenic/Likely pathogenic. Review status: criteria provided, multiple submitters, no conflicts (2 of 4 stars). 2 submissions from 2 submitters: Pathogenic (1); Likely pathogenic (1). Last evaluated 2025-09-01.

Conditions:
ADCK3-related disorder. Also called: ADCK3-related disorders.

Submissions (2):

CeGaT Center for Human Genetics Tuebingen
Classification: Pathogenic. Last evaluated: 2025-09-01. Review status: criteria provided, single submitter. Criteria: CeGaT Center For Human Genetics Tuebingen Variant Classification Criteria Version 2. Collection method: clinical testing. Allele origin: germline. Affected: yes. Observed: 4 variant alleles.
Comment: COQ8A: PVS1, PM2

Blueprint Genetics
Classification: Likely pathogenic for ADCK3-related disorders. Last evaluated: 2020-04-27. Review status: criteria provided, single submitter. Criteria: ACMG Guidelines, 2015. Collection method: clinical testing. Allele origin: germline. Affected: yes. Observed: 1 variant allele.

NM_020247.5(COQ8A):c.350del (p.Pro117fs)

Gene: COQ8A (coenzyme Q8A; plus strand). Cytogenetic location: 1q42.13.
Variant type: Deletion.
Coding change: c.350del on transcript NM_020247.5 (MANE Select); coding-DNA position 350, one base deleted (C; older notation c.350delC).
Protein change: p.Pro117fs; shifts the reading frame from proline 117.
Molecular consequence: frameshift variant.
Genome position (GRCh38, 1-based): chr1:226,965,172, C deleted; the last of 2 consecutive C bases (chr1:226,965,171-226,965,172); deleting either gives the same sequence. VCF-style (leftmost placement, unchanged base first): chr1-226965170-TC-T. GRCh37 (hg19) VCF-style: chr1-227152871-TC-T.
Other names: short protein forms P117fs.
Identifiers: ClinVar variation 3778621 (VCV003778621.8).